The following is an entry in ClinVar:

ClinVar aggregate classification (germline): Uncertain significance (1 of 4 stars; one submission).

Submission:

GeneDx
Classification: Uncertain significance. Last evaluated: 2026-04-16. Review status: criteria provided, single submitter. Criteria: GeneDx Variant Classification Process June 2021. Collection method: clinical testing. Allele origin: germline.
Comment: Not observed at significant frequency in large population cohorts (gnomAD); In silico analysis suggests that this missense variant does not alter protein structure/function; Has not been previously published as pathogenic or benign to our knowledge

NM_170606.3(KMT2C):c.1439A>G (p.Lys480Arg)

Gene: KMT2C (lysine methyltransferase 2C; minus strand). Cytogenetic location: 7q36.1.
Variant type: single nucleotide variant.
Coding change: c.1439A>G on transcript NM_170606.3 (MANE Select); coding-DNA position 1439, A replaced by G.
Protein change: p.Lys480Arg; replaces lysine 480 with arginine.
Molecular consequence: missense variant.
Genome position (GRCh38, 1-based): chr7:152,252,576, T>C on the plus strand (A>G on the coding strand, the complement: KMT2C is on the minus strand). VCF-style: chr7-152252576-T-C. GRCh37 (hg19) VCF-style: chr7-151949661-T-C.
Other names: short protein forms K480R.
Identifiers: ClinVar variation 2428783 (VCV002428783.4), dbSNP rs2485859473, ClinGen allele CA370087278.
Genomic context (GRCh38, chr7:152,252,576, plus strand): 5'-AACAACTGAATAGAATAACTATCTTCTTACCTTTTGCACATATTACAATGAAGCATGTCT[T>C]TCTGCAATTCTGGATGATAACACTTCCCACAGAAGGGACATAAGTTATCCTGCTGTTGGT-3'
Protein context (NP_733751.2, residues 470-490): CGKCYHPELQ[Lys480Arg]DMLHCNMCKR